The following is an entry in ClinVar:

ClinVar aggregate classification (germline): Uncertain significance (1 of 4 stars; one submission).

Conditions:
Cardiovascular phenotype. Identifiers: MedGen CN230736.

Allele frequency attached by ClinVar (database versions not stated): gnomAD exomes below 0.00001.
gnomAD v4.1: 1 of 1,613,212 alleles (0.000062%); highest among the groups gnomAD compares: Non-Finnish European, 0.000085%; no homozygotes.

Submissions (2):

Ambry Genetics
Classification: Uncertain significance for Cardiovascular phenotype. Last evaluated: 2019-10-18. Review status: criteria provided, single submitter. Criteria: Ambry Variant Classification Scheme 2023. Collection method: clinical testing. Allele origin: germline.
Comment: The p.T13248S variant (also known as c.39743C>G), located in coding exon 144 of the TTN gene, results from a C to G substitution at nucleotide position 39743. The threonine at codon 13248 is replaced by serine, an amino acid with similar properties. This amino acid position is well conserved in available vertebrate species; however, serine is the reference amino acid in other vertebrate species. In addition, this alteration is predicted to be tolerated by in silico analysis. Since supporting evidence is limited at this time, the clinical significance of this alteration remains unclear.

Dr. Peter K. Rogan Lab, Western University
No classification provided (evidence only). Condition: Melanoma. Review status: no classification provided. Collection method: in vitro. Allele origin: not applicable. Functional consequence: retained intron. Not counted in ClinVar's aggregate classification.

NM_001267550.2(TTN):c.66938C>G (p.Thr22313Ser)

Genes: TTN (titin; minus strand), TTN-AS1 (TTN antisense RNA 1; plus strand). Cytogenetic location: 2q31.2.
Variant type: single nucleotide variant.
Coding change: c.66938C>G on transcript NM_001267550.2 (MANE Select); coding-DNA position 66938, C replaced by G.
Protein change: p.Thr22313Ser; replaces threonine 22313 with serine.
Molecular consequence: missense variant.
Genome position (GRCh38, 1-based): chr2:178,580,441, G>C on the plus strand (C>G on the coding strand, the complement: TTN is on the minus strand). VCF-style: chr2-178580441-G-C. GRCh37 (hg19) VCF-style: chr2-179445168-G-C.
Other names: NC_000002.11:g.179445168G>C; c.62015C>G, p.Thr20672Ser (NM_001256850.1); c.39743C>G, p.Thr13248Ser (NM_003319.4); c.59234C>G, p.Thr19745Ser (NM_133378.4); c.40118C>G, p.Thr13373Ser (NM_133432.3); c.40319C>G, p.Thr13440Ser (NM_133437.4); short protein forms T13248S, T19745S, T13440S, T20672S, T22313S, T13373S.
Identifiers: ClinVar variation 1736632 (VCV001736632.3), dbSNP rs2047437261, ClinGen allele CA349425308.